The following is an entry in ClinVar:

NM_000944.5(PPP3CA):c.121C>A (p.Pro41Thr)

Gene: PPP3CA (protein phosphatase 3 catalytic subunit alpha; minus strand). Cytogenetic location: 4q24.
Variant type: single nucleotide variant.
Coding change: c.121C>A on transcript NM_000944.5 (MANE Select); coding-DNA position 121, C replaced by A.
Protein change: p.Pro41Thr; replaces proline 41 with threonine.
Molecular consequence: missense variant.
Genome position (GRCh38, 1-based): chr4:101,196,054, G>T on the plus strand (C>A on the coding strand, the complement: PPP3CA is on the minus strand). VCF-style: chr4-101196054-G-T. GRCh37 (hg19) VCF-style: chr4-102117211-G-T.
Other names: c.121C>A, p.Pro41Thr (NM_001130691.2, NM_001130692.2); short protein forms P41T.
Identifiers: ClinVar variation 1944734 (VCV001944734.5), dbSNP rs756386250, ClinGen allele CA3024556.

ClinVar aggregate classification (germline): Uncertain significance (1 of 4 stars; one submission).

Allele frequency attached by ClinVar (database versions not stated): TOPMed below 0.00001; gnomAD 0.00001; gnomAD exomes 0.00002; ExAC 0.00005.
gnomAD v4.1: 14 of 1,613,848 alleles (0.00087%); highest among the groups gnomAD compares: Non-Finnish European, 0.001%; no homozygotes.

Submission:

Labcorp Genetics (formerly Invitae), Labcorp
Classification: Uncertain significance. Last evaluated: 2022-04-07. Review status: criteria provided, single submitter. Criteria: Invitae Variant Classification Sherloc (09022015). Collection method: clinical testing. Allele origin: germline.
Comment: This sequence change replaces proline, which is neutral and non-polar, with threonine, which is neutral and polar, at codon 41 of the PPP3CA protein (p.Pro41Thr). This variant is present in population databases (rs756386250, gnomAD 0.005%). This variant has not been reported in the literature in individuals affected with PPP3CA-related conditions. Algorithms developed to predict the effect of missense changes on protein structure and function are either unavailable or do not agree on the potential impact of this missense change (SIFT: "Deleterious"; PolyPhen-2: "Probably Damaging"; Align-GVGD: "Class C0"). In summary, the available evidence is currently insufficient to determine the role of this variant in disease. Therefore, it has been classified as a Variant of Uncertain Significance.